The following is an entry in ClinVar:

NM_001009944.3(PKD1):c.1202-3C>A

Gene: PKD1 (polycystin 1, transient receptor potential channel interacting; minus strand). Cytogenetic location: 16p13.3.
Variant type: single nucleotide variant.
Coding change: c.1202-3C>A on transcript NM_001009944.3 (MANE Select); 3 bases into the intron before coding-DNA position 1202, C replaced by A.
Molecular consequence: intron variant.
Genome position (GRCh38, 1-based): chr16:2,117,675, G>T on the plus strand (C>A on the coding strand, the complement: PKD1 is on the minus strand). VCF-style: chr16-2117675-G-T. GRCh37 (hg19) VCF-style: chr16-2167676-G-T.
Other names: c.1202-3C>A (NM_000296.4).
Identifiers: ClinVar variation 1807310 (VCV001807310.2), dbSNP rs766317718, ClinGen allele CA2580091036.

ClinVar aggregate classification (germline): Uncertain significance. Review status: criteria provided, multiple submitters, no conflicts (2 of 4 stars). 2 submissions from 2 submitters: Uncertain significance (2). Last evaluated 2024-09-27.

Conditions:
Inborn genetic diseases. Identifiers: MedGen C0950123, MeSH D030342.

Allele frequency attached by ClinVar (database versions not stated): gnomAD exomes below 0.00001.
gnomAD v4.1: 1 of 1,607,728 alleles (0.000062%); highest among the groups gnomAD compares: East Asian, 0.0022%; no homozygotes.

Submissions (2):

Ambry Genetics
Classification: Uncertain significance for Inborn genetic diseases. Last evaluated: 2024-09-27. Review status: criteria provided, single submitter. Criteria: Ambry Variant Classification Scheme 2023. Collection method: clinical testing. Allele origin: germline.
Comment: The c.1202-3C>A intronic alteration consists of a C to A substitution 3 nucleotides before coding exon 6 in the PKD1 gene. Based on insufficient or conflicting evidence, the clinical significance of this alteration remains unclear.

Athena Diagnostics
Classification: Uncertain significance. Last evaluated: 2021-09-01. Review status: criteria provided, single submitter. Criteria: Athena Diagnostics Criteria. Collection method: clinical testing. Allele origin: unknown.